The following is an entry in ClinVar:

ClinVar aggregate classification (germline): Uncertain significance (1 of 4 stars; one submission).

Allele frequency attached by ClinVar (database versions not stated): TOPMed below 0.00001; gnomAD 0.00001; gnomAD exomes 0.00001.
gnomAD v4.1: 9 of 1,613,096 alleles (0.00056%); highest among the groups gnomAD compares: East Asian, 0.02%; no homozygotes.

Submission:

Labcorp Genetics (formerly Invitae), Labcorp
Classification: Uncertain significance. Last evaluated: 2023-04-20. Review status: criteria provided, single submitter. Criteria: Invitae Variant Classification Sherloc (09022015). Collection method: clinical testing. Allele origin: germline.
Comment: In summary, the available evidence is currently insufficient to determine the role of this variant in disease. Therefore, it has been classified as a Variant of Uncertain Significance. Advanced modeling of protein sequence and biophysical properties (such as structural, functional, and spatial information, amino acid conservation, physicochemical variation, residue mobility, and thermodynamic stability) performed at Invitae indicates that this missense variant is expected to disrupt FBN3 protein function. This variant has not been reported in the literature in individuals affected with FBN3-related conditions. This variant is present in population databases (no rsID available, gnomAD 0.01%). This sequence change replaces arginine, which is basic and polar, with glycine, which is neutral and non-polar, at codon 913 of the FBN3 protein (p.Arg913Gly).

NM_032447.5(FBN3):c.2737A>G (p.Arg913Gly)

Gene: FBN3 (fibrillin 3; minus strand). Cytogenetic location: 19p13.2.
Variant type: single nucleotide variant.
Coding change: c.2737A>G on transcript NM_032447.5 (MANE Select); coding-DNA position 2737, A replaced by G.
Protein change: p.Arg913Gly; replaces arginine 913 with glycine.
Molecular consequence: missense variant.
Genome position (GRCh38, 1-based): chr19:8,124,003, T>C on the plus strand (A>G on the coding strand, the complement: FBN3 is on the minus strand). VCF-style: chr19-8124003-T-C. GRCh37 (hg19) VCF-style: chr19-8188887-T-C.
Other names: c.2737A>G, p.Arg913Gly (NM_001321431.2); short protein forms R913G.
Identifiers: ClinVar variation 2881839 (VCV002881839.3), dbSNP rs1204381658, ClinGen allele CA403694658.